The following is an entry in ClinVar:

NM_000260.4(MYO7A):c.4243A>G (p.Thr1415Ala)

Gene: MYO7A (myosin VIIA; plus strand). Cytogenetic location: 11q13.5.
Variant type: single nucleotide variant.
Coding change: c.4243A>G on transcript NM_000260.4 (MANE Select); coding-DNA position 4243, A replaced by G.
Protein change: p.Thr1415Ala; replaces threonine 1415 with alanine.
Molecular consequence: missense variant.
Genome position (GRCh38, 1-based): chr11:77,194,444, A>G. VCF-style: chr11-77194444-A-G. GRCh37 (hg19) VCF-style: chr11-76905489-A-G.
Other names: c.4243A>G, p.Thr1415Ala (NM_001127180.2); c.4210A>G, p.Thr1404Ala (NM_001369365.1); c.4243A>G (NM_000260.3); short protein forms T1404A, T1415A.
Identifiers: ClinVar variation 1024642 (VCV001024642.6), dbSNP rs761755624, ClinGen allele CA6198378.

ClinVar aggregate classification (germline): Uncertain significance. Review status: criteria provided, multiple submitters, no conflicts (2 of 4 stars). 3 submissions from 3 submitters: Uncertain significance (2). 1 of the submissions does not count toward it. Last evaluated 2025-11-26.

Conditions:
Inborn genetic diseases. Identifiers: MedGen C0950123, MeSH D030342.
Usher syndrome type 1B (USH1B). Also called: Usher syndrome type IB. Identifiers: MedGen C1848638, MONDO:0700087.

Allele frequency attached by ClinVar (database versions not stated): gnomAD exomes below 0.00001; ExAC 0.00001; gnomAD 0.00001; TOPMed 0.00001.
gnomAD v4.1: 13 of 1,611,502 alleles (0.00081%); highest among the groups gnomAD compares: Admixed American, 0.0017%; no homozygotes.

Submissions (3):

Ambry Genetics
Classification: Uncertain significance for Inborn genetic diseases. Last evaluated: 2025-11-26. Review status: criteria provided, single submitter. Criteria: Ambry Variant Classification Scheme 2023. Collection method: clinical testing. Allele origin: germline.

Labcorp Genetics (formerly Invitae), Labcorp
Classification: Uncertain significance. Last evaluated: 2022-07-27. Review status: criteria provided, single submitter. Criteria: Invitae Variant Classification Sherloc (09022015). Collection method: clinical testing. Allele origin: germline.
Comment: This sequence change replaces threonine, which is neutral and polar, with alanine, which is neutral and non-polar, at codon 1415 of the MYO7A protein (p.Thr1415Ala). The frequency data for this variant in the population databases is considered unreliable, as metrics indicate poor data quality at this position in the gnomAD database. This variant has not been reported in the literature in individuals affected with MYO7A-related conditions. ClinVar contains an entry for this variant (Variation ID: 1024642). Advanced modeling of protein sequence and biophysical properties (such as structural, functional, and spatial information, amino acid conservation, physicochemical variation, residue mobility, and thermodynamic stability) performed at Invitae indicates that this missense variant is not expected to disrupt MYO7A protein function. In summary, the available evidence is currently insufficient to determine the role of this variant in disease. Therefore, it has been classified as a Variant of Uncertain Significance.

Natera, Inc.
Classification: Uncertain significance for Usher syndrome type 1B. Last evaluated: 2020-10-23. Review status: no assertion criteria provided. Collection method: clinical testing. Allele origin: germline. Not counted in ClinVar's aggregate classification.